The following is an entry in ClinVar:

NM_004977.3(KCNC3):c.779G>T (p.Gly260Val)

Genes: KCNC3 (potassium voltage-gated channel subfamily C member 3; minus strand), LOC130064972 (ATAC-STARR-seq lymphoblastoid silent region 10954; plus strand). Cytogenetic location: 19q13.33.
Variant type: single nucleotide variant.
Coding change: c.779G>T on transcript NM_004977.3 (MANE Select); coding-DNA position 779, G replaced by T.
Protein change: p.Gly260Val; replaces glycine 260 with valine.
Molecular consequence: missense variant.
Genome position (GRCh38, 1-based): chr19:50,328,304, C>A on the plus strand (G>T on the coding strand, the complement: KCNC3 is on the minus strand). VCF-style: chr19-50328304-C-A. GRCh37 (hg19) VCF-style: chr19-50831561-C-A.
Other names: c.551G>T, p.Gly184Val (NM_001372305.1); short protein forms G184V, G260V.
Identifiers: ClinVar variation 3234477 (VCV003234477.20), dbSNP rs2037131531, ClinGen allele CA406954037.

ClinVar aggregate classification (germline): Uncertain significance (1 of 4 stars; one submission).

Allele frequency attached by ClinVar (database versions not stated): gnomAD exomes 0.00001.
gnomAD v4.1: 13 of 1,149,254 alleles (0.0011%); highest among the groups gnomAD compares: South Asian, 0.0083%; no homozygotes.

Submission:

CeGaT Center for Human Genetics Tuebingen
Classification: Uncertain significance. Last evaluated: 2024-04-01. Review status: criteria provided, single submitter. Criteria: CeGaT Center For Human Genetics Tuebingen Variant Classification Criteria Version 2. Collection method: clinical testing. Allele origin: germline. Affected: yes. Observed: 1 variant allele.
Comment: KCNC3: PM2, PP2, PP3